The following is an entry in ClinVar:

NM_031935.3(HMCN1):c.5414G>A (p.Cys1805Tyr)

Gene: HMCN1 (hemicentin 1; plus strand). Cytogenetic location: 1q31.1.
Variant type: single nucleotide variant.
Coding change: c.5414G>A on transcript NM_031935.3 (MANE Select); coding-DNA position 5414, G replaced by A.
Protein change: p.Cys1805Tyr; replaces cysteine 1805 with tyrosine.
Molecular consequence: missense variant.
Genome position (GRCh38, 1-based): chr1:186,018,296, G>A. VCF-style: chr1-186018296-G-A. GRCh37 (hg19) VCF-style: chr1-185987428-G-A.
Other names: short protein forms C1805Y.
Identifiers: ClinVar variation 2026458 (VCV002026458.4), dbSNP rs1654494978, ClinGen allele CA343891256.

ClinVar aggregate classification (germline): Uncertain significance (1 of 4 stars; one submission).

Allele frequency attached by ClinVar (database versions not stated): gnomAD exomes below 0.00001; gnomAD 0.00001.
gnomAD v4.1: 3 of 1,612,848 alleles (0.00019%); highest among the groups gnomAD compares: South Asian, 0.0011%; no homozygotes.

Submission:

Labcorp Genetics (formerly Invitae), Labcorp
Classification: Uncertain significance. Last evaluated: 2021-12-02. Review status: criteria provided, single submitter. Criteria: Invitae Variant Classification Sherloc (09022015). Collection method: clinical testing. Allele origin: germline.
Comment: In summary, the available evidence is currently insufficient to determine the role of this variant in disease. Therefore, it has been classified as a Variant of Uncertain Significance. This sequence change replaces cysteine, which is neutral and slightly polar, with tyrosine, which is neutral and polar, at codon 1805 of the HMCN1 protein (p.Cys1805Tyr). This variant is not present in population databases (gnomAD no frequency). This variant has not been reported in the literature in individuals affected with HMCN1-related conditions. Algorithms developed to predict the effect of missense changes on protein structure and function are either unavailable or do not agree on the potential impact of this missense change (SIFT: "Deleterious"; PolyPhen-2: "Probably Damaging"; Align-GVGD: "Class C0").